The following is an entry in ClinVar:

ClinVar aggregate classification (germline): Conflicting classifications of pathogenicity. Review status: criteria provided, conflicting classifications (1 of 4 stars). 9 submissions from 9 submitters: Pathogenic (1); Likely pathogenic (4); Uncertain significance (3). 1 of the submissions does not count toward it. Last evaluated 2026-05-13.

Conditions:
HYPERHOMOCYSTEINEMIA, THROMBOTIC, CBS-RELATED. Identifiers: MedGen C3150344, OMIM 236200.
CBS-related disorder. Also called: CBS-related condition.
Classic homocystinuria. Also called: HOMOCYSTINURIA WITH OR WITHOUT RESPONSE TO PYRIDOXINE; Homocystinuria due to Cystathionine Beta-Synthase Deficiency; Homocystinuria due to CBS deficiency; Cystathionine beta-synthase deficiency; CBS deficiency. Identifiers: Orphanet 394, MedGen C0751202, MONDO:0009352, OMIM 236200.
Homocystinuria. Identifiers: MedGen C0019880, MONDO:0004737, HP:0002156.

Allele frequency attached by ClinVar (database versions not stated): gnomAD exomes 0.00001; ExAC 0.00003.

Submissions (9):

Myriad Genetics, Inc.
Classification: Uncertain significance for Classic homocystinuria. Last evaluated: 2026-05-13. Review status: criteria provided, single submitter. Criteria: Myriad Autosomal Dominant, Autosomal Recessive and X-Linked Classification Criteria (2023). Collection method: clinical testing. Allele origin: unknown.
Comment: NM_000071.2(CBS):c.982G>A(D328N) is a missense variant classified as a variant of uncertain significance in the context of homocystinuria, CBS-related. D328N has been observed in cases with relevant disease (PMID: 25939784, 33057012, 34449519). Relevant functional assessments of this variant are not available in the literature. D328N has been observed in referenced population frequency databases. In summary, there is insufficient evidence to classify NM_000071.2(CBS):c.982G>A(D328N) as pathogenic or benign. Please note: this variant was assessed in the context of healthy population screening.

PreventionGenetics, part of Exact Sciences
Classification: Likely pathogenic for CBS-related condition. Last evaluated: 2026-04-13. Review status: criteria provided, single submitter. Criteria: ACMG Guidelines, 2015. Collection method: clinical testing. Allele origin: germline.
Comment: The CBS c.982G>A variant is predicted to result in the amino acid substitution p.Asp328Asn. This variant has been reported in multiple individuals in both the compound heterozygous and homozygous state with classic homocystinuria (Silao et al 2015. PubMed ID: 25939784; Kaur et al 2020. PubMed ID: 33057012; Alsharhan et al 2021. PubMed ID: 34449519) and in an individual with congenital ectopia lentis (Chen et al 2021. PubMed ID: 34818515). This variant is reported in 0.0018% of alleles in individuals of European (non-Finnish) descent in gnomAD. This variant is interpreted as likely pathogenic.

Labcorp Genetics (formerly Invitae), Labcorp
Classification: Pathogenic for HYPERHOMOCYSTEINEMIA, THROMBOTIC, CBS-RELATED. Last evaluated: 2026-01-10. Review status: criteria provided, single submitter. Criteria: Invitae Variant Classification Sherloc (09022015). Collection method: clinical testing. Allele origin: germline.
Comment: This sequence change replaces aspartic acid, which is acidic and polar, with asparagine, which is neutral and polar, at codon 328 of the CBS protein (p.Asp328Asn). This variant is present in population databases (rs758447354, gnomAD 0.002%). This missense change has been observed in individual(s) with homocystinuria due to CBS deficiency (PMID: 25939784, 33057012). ClinVar contains an entry for this variant (Variation ID: 550653). Invitae Evidence Modeling of protein sequence and biophysical properties (such as structural, functional, and spatial information, amino acid conservation, physicochemical variation, residue mobility, and thermodynamic stability) indicates that this missense variant is expected to disrupt CBS protein function with a positive predictive value of 95%. For these reasons, this variant has been classified as Pathogenic.

Natera, Inc.
Classification: Likely pathogenic for Homocystinuria due to cystathionine beta-synthase deficiency. Last evaluated: 2025-09-05. Review status: criteria provided, single submitter. Criteria: Natera Variant Classification Schema (03/2026). Collection method: clinical testing. Allele origin: germline.
Comment: The c.982G>A variant in CBS is a missense variant predicted to cause substitution of aspartic acid to asparagine at amino acid 328. This variant is rare in the general population with a frequency below the threshold expected for the associated phenotype(s). This variant has been observed in one or more individuals affected with the associated recessive disease, as either homozygous or compound heterozygous with a second variant (PMID: 34449519, 33057012, 25939784). Computational prediction algorithms indicate this variant is likely to affect gene or protein function. Given the available evidence, this variant is classified as Likely Pathogenic.

Baylor Genetics
Classification: Likely pathogenic for Classic homocystinuria. Last evaluated: 2024-02-05. Review status: criteria provided, single submitter. Criteria: ACMG Guidelines, 2015. Collection method: clinical testing. Allele origin: unknown.

Women's Health and Genetics/Laboratory Corporation of America, LabCorp
Classification: Likely pathogenic for Homocystinuria. Last evaluated: 2023-01-24. Review status: criteria provided, single submitter. Criteria: LabCorp Variant Classification Summary - May 2015. Collection method: clinical testing. Allele origin: germline.
Comment: Variant summary: CBS c.982G>A (p.Asp328Asn) results in a conservative amino acid change located in the Tryptophan synthase beta chain-like, PALP domain (IPR001926) of the encoded protein sequence. Four of five in-silico tools predict a damaging effect of the variant on protein function. The variant allele was found at a frequency of 8e-06 in 250848 control chromosomes (gnomAD). c.982G>A has been reported in the literature in multiple homozygous- and compound heterozygous individuals affected with classic homocystinuria (Silao_2015, Kaur_2020, Alsharhan_2021), and in one case with congenital ectopia lentis (Chen_2022). These data indicate that the variant is likely to be associated with disease. To our knowledge, no experimental evidence demonstrating an impact on protein function has been reported. Five clinical diagnostic laboratories have submitted clinical-significance assessments for this variant to ClinVar after 2014 without evidence for independent evaluation, and all classified the variant as uncertain significance. Based on the evidence outlined above, the variant was classified as likely pathogenic.

GeneDx
Classification: Uncertain significance. Last evaluated: 2019-06-21. Review status: criteria provided, single submitter. Criteria: GeneDx Variant Classification Process June 2021. Collection method: clinical testing. Allele origin: germline. Affected: yes.
Comment: Not observed at a significant frequency in large population cohorts (Lek et al., 2016); In silico analysis, which includes protein predictors and evolutionary conservation, supports a deleterious effect; This variant is associated with the following publications: (PMID: 25939784)

ARUP Laboratories, Molecular Genetics and Genomics, ARUP Laboratories
Classification: Uncertain significance. Last evaluated: 2018-04-25. Review status: criteria provided, single submitter. Criteria: ARUP Molecular Germline Variant Investigation Process. Collection method: clinical testing. Allele origin: germline.
Comment: The CBS c.982G>A; p.Asp328Asn variant (rs758447354) has been described in the compound heterozygous state in one individual with homocystinuria due to cystathionine beta-synthase deficiency (Silao 2015) and is observed in the general population at a low overall frequency of 0.0008% (2/245840 alleles) in the Genome Aggregation Database. The aspartic acid at codon 328 is highly conserved, and computational algorithms (PolyPhen-2, SIFT) predict that this variant is deleterious. Due to limited information regarding this variant, its clinical significance cannot be determined with certainty. References: Silao C et al. Novel cystathionine beta-synthase gene mutations in a Filipino patient with classic homocystinuria. Pediatr Int. 2015 Oct;57(5):884-7.

Counsyl
Classification: Uncertain significance for Classic homocystinuria. Last evaluated: 2017-02-08. Review status: no assertion criteria provided. Collection method: clinical testing. Allele origin: unknown. Not counted in ClinVar's aggregate classification.

Literature cited by the submitters: PubMed 25939784 (cited by 5 submitters); PubMed 33057012 (cited by 4 submitters); PubMed 34449519 (cited by 3 submitters); PubMed 34818515 (cited by Women's Health and Genetics/Laboratory Corporation of America, LabCorp).

NM_000071.3(CBS):c.982G>A (p.Asp328Asn)

Gene: CBS (cystathionine beta-synthase; minus strand). Cytogenetic location: 21q22.3.
Variant type: single nucleotide variant.
Coding change: c.982G>A on transcript NM_000071.3 (MANE Select); coding-DNA position 982, G replaced by A.
Protein change: p.Asp328Asn; replaces aspartic acid 328 with asparagine.
Molecular consequence: missense variant.
Genome position (GRCh38, 1-based): chr21:43,062,368, C>T on the plus strand (G>A on the coding strand, the complement: CBS is on the minus strand). VCF-style: chr21-43062368-C-T. GRCh37 (hg19) VCF-style: chr21-44482478-C-T.
Other names: c.982G>A, p.Asp328Asn (NM_001178008.3, NM_001178009.3, NM_001320298.2); c.667G>A, p.Asp223Asn (NM_001321072.1); short protein forms D328N, D223N.
Identifiers: ClinVar variation 550653 (VCV000550653.27), dbSNP rs758447354, ClinGen allele CA321090579.
Genomic context (GRCh38, chr21:43,062,368, plus strand): 5'-CACCGCACAGCAGCCCCTCTTGCGCGATCAGCATGCGGGCAAAGGTGAACGCCTCCTCAT[C>T]GTTGCTCTTGAACCACTTGTCCACCACCTGAGCAGGACCCCACCACAGCCCGTCAGCGTG-3'
Protein context (NP_000062.1, residues 318-338): TVVDKWFKSN[Asp328Asn]EEAFTFARML